The following is an entry in ClinVar:

NM_000383.4(AIRE):c.734A>G (p.Lys245Arg)

Gene: AIRE (autoimmune regulator; plus strand). Cytogenetic location: 21q22.3.
Variant type: single nucleotide variant.
Coding change: c.734A>G on transcript NM_000383.4 (MANE Select); coding-DNA position 734, A replaced by G.
Protein change: p.Lys245Arg; replaces lysine 245 with arginine.
Molecular consequence: missense variant.
Genome position (GRCh38, 1-based): chr21:44,289,738, A>G. VCF-style: chr21-44289738-A-G. GRCh37 (hg19) VCF-style: chr21-45709621-A-G.
Other names: short protein forms K245R.
Identifiers: ClinVar variation 2118806 (VCV002118806.4), dbSNP rs2517880463, ClinGen allele CA410424475.

ClinVar aggregate classification (germline): Uncertain significance (1 of 4 stars; one submission).

Conditions:
Polyglandular autoimmune syndrome, type 1 (APS1). Also called: APS I; Autoimmune polyendocrine syndrome type 1; Whitaker syndrome; HYPOADRENOCORTICISM WITH HYPOPARATHYROIDISM AND SUPERFICIAL MONILIASIS; Autoimmune polyendocrinopathy syndrome, type I; AUTOIMMUNE POLYENDOCRINE SYNDROME, TYPE I, WITH OR WITHOUT REVERSIBLE METAPHYSEAL DYSPLASIA. Identifiers: Orphanet 3453, MedGen C0085859, MONDO:0009411, OMIM 240300.

Submission:

Labcorp Genetics (formerly Invitae), Labcorp
Classification: Uncertain significance for Polyglandular autoimmune syndrome, type 1. Last evaluated: 2022-03-28. Review status: criteria provided, single submitter. Criteria: Invitae Variant Classification Sherloc (09022015). Collection method: clinical testing. Allele origin: germline.
Comment: This sequence change replaces lysine, which is basic and polar, with arginine, which is basic and polar, at codon 245 of the AIRE protein (p.Lys245Arg). This variant is not present in population databases (gnomAD no frequency). This variant has not been reported in the literature in individuals affected with AIRE-related conditions. Advanced modeling of protein sequence and biophysical properties (such as structural, functional, and spatial information, amino acid conservation, physicochemical variation, residue mobility, and thermodynamic stability) performed at Invitae indicates that this missense variant is not expected to disrupt AIRE protein function. In summary, the available evidence is currently insufficient to determine the role of this variant in disease. Therefore, it has been classified as a Variant of Uncertain Significance.